The following is an entry in ClinVar:

ClinVar aggregate classification (germline): Uncertain significance (1 of 4 stars; one submission).

Conditions:
Spastic paraplegia. Identifiers: MedGen C0037772, HP:0001258.

Allele frequency attached by ClinVar (database versions not stated): TOPMed below 0.00001; gnomAD 0.00001.
gnomAD v4.1: 1 of 1,614,012 alleles (0.000062%); highest among the groups gnomAD compares: Non-Finnish European, 0.000085%; no homozygotes.

Submission:

Labcorp Genetics (formerly Invitae), Labcorp
Classification: Uncertain significance for Spastic paraplegia. Last evaluated: 2022-11-07. Review status: criteria provided, single submitter. Criteria: Invitae Variant Classification Sherloc (09022015). Collection method: clinical testing. Allele origin: germline.
Comment: ClinVar contains an entry for this variant (Variation ID: 1462892). This variant has not been reported in the literature in individuals affected with KIF5A-related conditions. This variant is not present in population databases (gnomAD no frequency). This sequence change replaces threonine, which is neutral and polar, with serine, which is neutral and polar, at codon 150 of the KIF5A protein (p.Thr150Ser). In summary, the available evidence is currently insufficient to determine the role of this variant in disease. Therefore, it has been classified as a Variant of Uncertain Significance. Advanced modeling of protein sequence and biophysical properties (such as structural, functional, and spatial information, amino acid conservation, physicochemical variation, residue mobility, and thermodynamic stability) performed at Invitae indicates that this missense variant is not expected to disrupt KIF5A protein function.

NM_004984.4(KIF5A):c.449C>G (p.Thr150Ser)

Gene: KIF5A (kinesin family member 5A; plus strand). Cytogenetic location: 12q13.3.
Variant type: single nucleotide variant.
Coding change: c.449C>G on transcript NM_004984.4 (MANE Select); coding-DNA position 449, C replaced by G.
Protein change: p.Thr150Ser; replaces threonine 150 with serine.
Molecular consequence: missense variant.
Genome position (GRCh38, 1-based): chr12:57,564,921, C>G. VCF-style: chr12-57564921-C-G. GRCh37 (hg19) VCF-style: chr12-57958704-C-G.
Other names: c.182C>G, p.Thr61Ser (NM_001354705.2); short protein forms T61S, T150S.
Identifiers: ClinVar variation 1462892 (VCV001462892.6), dbSNP rs1882017045, ClinGen allele CA385495547.